The following is an entry in ClinVar:

NM_000061.3(BTK):c.1909-2A>G

Gene: BTK (Bruton tyrosine kinase; minus strand). Cytogenetic location: Xq22.1.
Variant type: single nucleotide variant.
Coding change: c.1909-2A>G on transcript NM_000061.3 (MANE Select); the canonical splice acceptor site of the intron before coding-DNA position 1909, A replaced by G.
Molecular consequence: splice acceptor variant.
Genome position (GRCh38, 1-based): chrX:101,349,958, T>C on the plus strand (A>G on the coding strand, the complement: BTK is on the minus strand). VCF-style: chrX-101349958-T-C. GRCh37 (hg19) VCF-style: chrX-100604946-T-C.
Other names: NC_000023.10:g.100604946T>C; c.2011-2A>G (NM_001287344.2); c.1381-2A>G (NM_001287345.2).
Identifiers: ClinVar variation 4461014 (VCV004461014.2).

ClinVar aggregate classification (germline): Likely pathogenic (1 of 4 stars; one submission).

Conditions:
Agammaglobulinaemia with absent BTK expression.

Submissions (2):

Genetics Laboratory, Great Ormond Street Hospital NHS Foundation Trust, North Thames Genomic Laboratory Hub
Classification: Likely pathogenic for Agammaglobulinaemia with absent BTK expression. Last evaluated: 2026-04-20. Review status: criteria provided, single submitter. Criteria: ACGS Best Practice Guidelines for Variant Classification in Rare Disease 2024 v1.2. Collection method: clinical testing. Allele origin: germline. Affected: yes.
Comment: PS4_supporting, PM2_moderate, PVS1_strong, PP4_supporting

Dr. Peter K. Rogan Lab, Western University
No classification provided (evidence only). Condition: Nonpapillary renal cell carcinoma. Review status: no classification provided. Collection method: in vitro. Allele origin: not applicable. Functional consequence: retained intron. Not counted in ClinVar's aggregate classification.